The following is an entry in ClinVar:

ClinVar aggregate classification (germline): Uncertain significance (1 of 4 stars; one submission).

Conditions:
Severe combined immunodeficiency, autosomal recessive, T cell-negative, B cell-negative, NK cell-positive. Also called: SCID, AR, T-cell negative, B-cell negative, NK cell-positive; SCID, T CELL-NEGATIVE, B CELL-NEGATIVE, NK CELL-POSITIVE; Severe combined immunodeficiency due to complete RAG1/2 deficiency. Identifiers: Orphanet 331206, MedGen C1832322, MONDO:0011086, OMIM 601457.
Combined immunodeficiency with skin granulomas. Identifiers: Orphanet 157949, MedGen C2673536, MONDO:0009306, OMIM 233650.

Submission:

Labcorp Genetics (formerly Invitae), Labcorp
Classification: Uncertain significance for Combined immunodeficiency with skin granulomas; Severe combined immunodeficiency, autosomal recessive, T cell-negative, B cell-negative, NK cell-positive. Last evaluated: 2021-02-02. Review status: criteria provided, single submitter. Criteria: Invitae Variant Classification Sherloc (09022015). Collection method: clinical testing. Allele origin: germline.
Comment: This sequence change replaces threonine with alanine at codon 276 of the RAG1 protein (p.Thr276Ala). The threonine residue is moderately conserved and there is a small physicochemical difference between threonine and alanine. This variant is not present in population databases (ExAC no frequency). This variant has not been reported in the literature in individuals with RAG1-related conditions. Advanced modeling of protein sequence and biophysical properties (such as structural, functional, and spatial information, amino acid conservation, physicochemical variation, residue mobility, and thermodynamic stability) performed at Invitae indicates that this missense variant is not expected to disrupt RAG1 protein function. In summary, the available evidence is currently insufficient to determine the role of this variant in disease. Therefore, it has been classified as a Variant of Uncertain Significance.

NM_000448.3(RAG1):c.826A>G (p.Thr276Ala)

Gene: RAG1 (recombination activating 1; plus strand). Cytogenetic location: 11p12.
Variant type: single nucleotide variant.
Coding change: c.826A>G on transcript NM_000448.3 (MANE Select); coding-DNA position 826, A replaced by G.
Protein change: p.Thr276Ala; replaces threonine 276 with alanine.
Molecular consequence: missense variant.
Genome position (GRCh38, 1-based): chr11:36,574,130, A>G. VCF-style: chr11-36574130-A-G. GRCh37 (hg19) VCF-style: chr11-36595680-A-G.
Other names: c.826A>G, p.Thr276Ala (NM_001377277.1, NM_001377278.1, NM_001377279.1 and 1 more transcripts); short protein forms T276A.
Identifiers: ClinVar variation 1354776 (VCV001354776.8), dbSNP rs2133294507, ClinGen allele CA380149991.